The following is an entry in ClinVar:

ClinVar aggregate classification (germline): Uncertain significance (1 of 4 stars; one submission).

Submission:

Labcorp Genetics (formerly Invitae), Labcorp
Classification: Uncertain significance. Last evaluated: 2020-12-21. Review status: criteria provided, single submitter. Criteria: Invitae Variant Classification Sherloc (09022015). Collection method: clinical testing. Allele origin: germline.
Comment: This sequence change replaces aspartic acid with histidine at codon 1027 of the CPLANE1 protein (p.Asp1027His). The aspartic acid residue is weakly conserved and there is a moderate physicochemical difference between aspartic acid and histidine. This variant is not present in population databases (ExAC no frequency). This variant has not been reported in the literature in individuals with CPLANE1-related conditions. Advanced modeling of protein sequence and biophysical properties (such as structural, functional, and spatial information, amino acid conservation, physicochemical variation, residue mobility, and thermodynamic stability) performed at Invitae indicates that this missense variant is expected to disrupt CPLANE1 protein function. In summary, the available evidence is currently insufficient to determine the role of this variant in disease. Therefore, it has been classified as a Variant of Uncertain Significance.

NM_001384732.1(CPLANE1):c.3079G>C (p.Asp1027His)

Gene: CPLANE1 (ciliogenesis and planar polarity effector complex subunit 1; minus strand). Cytogenetic location: 5p13.2.
Variant type: single nucleotide variant.
Coding change: c.3079G>C on transcript NM_001384732.1 (MANE Select); coding-DNA position 3079, G replaced by C.
Protein change: p.Asp1027His; replaces aspartic acid 1027 with histidine.
Molecular consequence: missense variant.
Genome position (GRCh38, 1-based): chr5:37,206,267, C>G on the plus strand (G>C on the coding strand, the complement: CPLANE1 is on the minus strand). VCF-style: chr5-37206267-C-G. GRCh37 (hg19) VCF-style: chr5-37206369-C-G.
Other names: c.3079G>C, p.Asp1027His (NM_023073.4); short protein forms D1027H.
Identifiers: ClinVar variation 1358204 (VCV001358204.8), dbSNP rs2150128198, ClinGen allele CA359516260.